The following is an entry in ClinVar:

NM_001378778.1(MPDZ):c.5601+2_5601+3del

Gene: MPDZ (multiple PDZ domain crumbs cell polarity complex component; minus strand). Cytogenetic location: 9p23.
Variant type: Deletion.
Coding change: c.5601+2_5601+3del on transcript NM_001378778.1 (MANE Select); the canonical splice donor site of the intron after coding-DNA position 5601 through 3 bases into the intron after coding-DNA position 5601, 2 bases deleted (TA; older notation c.5601+2_5601+3delTA).
Molecular consequence: splice donor variant.
Genome position (GRCh38, 1-based): chr9:13,113,008-13,113,009, TA deleted on the plus strand (TA on the coding strand, the reverse complement: MPDZ is on the minus strand). VCF-style (leftmost placement, unchanged base first): chr9-13113007-TTA-T. GRCh37 (hg19) VCF-style: chr9-13113006-TTA-T.
Other names: c.5304+2_5304+3del (NM_001375425.1, NM_001375426.1); c.5391+2_5391+3del (NM_001375420.1, NM_001375423.1, NM_001375424.1 and 2 more transcripts); c.5415+2_5415+3del (NM_001375419.1, NM_001261407.2); c.5502+2_5502+3del (NM_001375416.1, NM_001375418.1, NM_001261406.2 and 1 more transcripts); c.5601+2_5601+3del (NM_001330637.2); c.5193+2_5193+3del (NM_001375427.1); c.5514+2_5514+3del (NM_003829.5); c.5700+2_5700+3del (NM_001375413.1).
Identifiers: ClinVar variation 2967357 (VCV002967357.3), dbSNP rs1942752972, ClinGen allele CA1121471180.

ClinVar aggregate classification (germline): Likely pathogenic (1 of 4 stars; one submission).

Allele frequency attached by ClinVar (database versions not stated): gnomAD exomes below 0.00001; gnomAD 0.00001.

Submission:

Labcorp Genetics (formerly Invitae), Labcorp
Classification: Likely pathogenic. Last evaluated: 2023-12-18. Review status: criteria provided, single submitter. Criteria: Invitae Variant Classification Sherloc (09022015). Collection method: clinical testing. Allele origin: germline.
Comment: This sequence change affects a splice site in intron 41 of the MPDZ gene. It is expected to disrupt RNA splicing. Variants that disrupt the donor or acceptor splice site typically lead to a loss of protein function (PMID: 16199547), and loss-of-function variants in MPDZ are known to be pathogenic (PMID: 23240096, 28556411). This variant is not present in population databases (gnomAD no frequency). This variant has not been reported in the literature in individuals affected with MPDZ-related conditions. Algorithms developed to predict the effect of sequence changes on RNA splicing suggest that this variant may disrupt the consensus splice site. In summary, the currently available evidence indicates that the variant is pathogenic, but additional data are needed to prove that conclusively. Therefore, this variant has been classified as Likely Pathogenic.

Literature cited by the submitters: PubMed 16199547; PubMed 23240096; PubMed 28556411.